The following is an entry in ClinVar:

ClinVar aggregate classification (germline): Uncertain significance (1 of 4 stars; one submission).

Submission:

GeneDx
Classification: Uncertain significance. Last evaluated: 2019-12-13. Review status: criteria provided, single submitter. Criteria: GeneDx Variant Classification Process June 2021. Collection method: clinical testing. Allele origin: germline. Affected: yes.
Comment: Not observed in large population cohorts (Lek et al., 2016); In silico analysis, which includes protein predictors and evolutionary conservation, supports a deleterious effect; Has not been previously published as pathogenic or benign to our knowledge

NM_001615.4(ACTG2):c.811G>A (p.Glu271Lys)

Gene: ACTG2 (actin gamma 2, smooth muscle; plus strand). Cytogenetic location: 2p13.1.
Variant type: single nucleotide variant.
Coding change: c.811G>A on transcript NM_001615.4 (MANE Select); coding-DNA position 811, G replaced by A.
Protein change: p.Glu271Lys; replaces glutamic acid 271 with lysine.
Molecular consequence: missense variant.
Genome position (GRCh38, 1-based): chr2:73,916,589, G>A. VCF-style: chr2-73916589-G-A. GRCh37 (hg19) VCF-style: chr2-74143716-G-A.
Other names: c.682G>A, p.Glu228Lys (NM_001199893.2); short protein forms E228K, E271K.
Identifiers: ClinVar variation 1307078 (VCV001307078.2), dbSNP rs2104825018, ClinGen allele CA347304545.